The following is an entry in ClinVar:

NM_015295.3(SMCHD1):c.3596T>C (p.Val1199Ala)

Gene: SMCHD1 (structural maintenance of chromosomes flexible hinge domain containing 1; plus strand). Cytogenetic location: 18p11.32.
Variant type: single nucleotide variant.
Coding change: c.3596T>C on transcript NM_015295.3 (MANE Select); coding-DNA position 3596, T replaced by C.
Protein change: p.Val1199Ala; replaces valine 1199 with alanine.
Molecular consequence: missense variant.
Genome position (GRCh38, 1-based): chr18:2,740,784, T>C. VCF-style: chr18-2740784-T-C. GRCh37 (hg19) VCF-style: chr18-2740782-T-C.
Other names: c.3596T>C (NM_015295.2); short protein forms V1199A.
Identifiers: ClinVar variation 1433523 (VCV001433523.9), dbSNP rs376586199, ClinGen allele CA8871247.

ClinVar aggregate classification (germline): Uncertain significance. Review status: criteria provided, multiple submitters, no conflicts (2 of 4 stars). 2 submissions from 2 submitters: Uncertain significance (2). Last evaluated 2025-08-01.

Conditions:
Facioscapulohumeral muscular dystrophy 2 (FSHD2). Also called: FACIOSCAPULOHUMERAL MUSCULAR DYSTROPHY 2, DIGENIC; FSHD2, DIGENIC; MUSCULAR DYSTROPHY, FACIOSCAPULOHUMERAL, TYPE 1B. Identifiers: Orphanet 269, MedGen C1834671, MONDO:0008031, OMIM 158901.

Allele frequency attached by ClinVar (database versions not stated): ExAC 0.00003; gnomAD exomes 0.00004 and 0.00007; TOPMed 0.00004; gnomAD 0.00005 and 0.00006; ESP Exome Variant Server 0.00009.
gnomAD v4.1: 103 of 1,610,186 alleles (0.0064%); highest among the groups gnomAD compares: Admixed American, 0.0084%; no homozygotes.

Submissions (2):

Labcorp Genetics (formerly Invitae), Labcorp
Classification: Uncertain significance for Facioscapulohumeral muscular dystrophy 2. Last evaluated: 2025-08-01. Review status: criteria provided, single submitter. Criteria: Invitae Variant Classification Sherloc (09022015). Collection method: clinical testing. Allele origin: germline.
Comment: This sequence change replaces valine, which is neutral and non-polar, with alanine, which is neutral and non-polar, at codon 1199 of the SMCHD1 protein (p.Val1199Ala). This variant is present in population databases (rs376586199, gnomAD 0.009%). This variant has not been reported in the literature in individuals affected with SMCHD1-related conditions. ClinVar contains an entry for this variant (Variation ID: 1433523). Invitae Evidence Modeling of protein sequence and biophysical properties (such as structural, functional, and spatial information, amino acid conservation, physicochemical variation, residue mobility, and thermodynamic stability) indicates that this missense variant is not expected to disrupt SMCHD1 protein function with a negative predictive value of 80%. In summary, the available evidence is currently insufficient to determine the role of this variant in disease. Therefore, it has been classified as a Variant of Uncertain Significance.

Revvity Omics, Revvity
Classification: Uncertain significance. Last evaluated: 2025-05-15. Review status: criteria provided, single submitter. Criteria: ACMG Guidelines, 2015. Collection method: clinical testing. Allele origin: germline.